The following is an entry in ClinVar:

NM_021964.3(ZNF148):c.446G>A (p.Arg149His)

Gene: ZNF148 (zinc finger protein 148; minus strand). Cytogenetic location: 3q21.2.
Variant type: single nucleotide variant.
Coding change: c.446G>A on transcript NM_021964.3 (MANE Select); coding-DNA position 446, G replaced by A.
Protein change: p.Arg149His; replaces arginine 149 with histidine.
Molecular consequence: missense variant. On other transcripts: intron variant (1).
Genome position (GRCh38, 1-based): chr3:125,288,116, C>T on the plus strand (G>A on the coding strand, the complement: ZNF148 is on the minus strand). VCF-style: chr3-125288116-C-T. GRCh37 (hg19) VCF-style: chr3-125006960-C-T.
Other names: c.446G>A (NM_021964.2); c.446G>A, p.Arg149His (NM_001348431.2, NM_001348432.2, NM_001348433.2 and 8 more transcripts); c.334-8869G>A (NM_001348434.2); short protein forms R149H.
Identifiers: ClinVar variation 2572005 (VCV002572005.17), dbSNP rs147223574, ClinGen allele CA2585411.

ClinVar aggregate classification (germline): Conflicting classifications of pathogenicity. Review status: criteria provided, conflicting classifications (1 of 4 stars). 4 submissions from 4 submitters: Uncertain significance (1); Likely benign (2). 1 of the submissions does not count toward it. Last evaluated 2025-02-01.

Conditions:
ZNF148-related disorder. Also called: ZNF148-related condition.
Global developmental delay, absent or hypoplastic corpus callosum, and dysmorphic facies (GDACCF). Identifiers: MedGen C4310644, MONDO:0014994, OMIM 617260.
Inborn genetic diseases. Identifiers: MedGen C0950123, MeSH D030342.

Allele frequency attached by ClinVar (database versions not stated): gnomAD exomes 0.00003; ExAC 0.00007; ESP Exome Variant Server 0.00008; gnomAD 0.00025; TOPMed 0.00028.

Submissions (4):

CeGaT Center for Human Genetics Tuebingen
Classification: Likely benign. Last evaluated: 2025-02-01. Review status: criteria provided, single submitter. Criteria: CeGaT Center For Human Genetics Tuebingen Variant Classification Criteria Version 2. Collection method: clinical testing. Allele origin: germline. Affected: yes. Observed: 1 variant allele.
Comment: ZNF148: BS2

Ambry Genetics
Classification: Likely benign for Inborn genetic diseases. Last evaluated: 2024-01-19. Review status: criteria provided, single submitter. Criteria: Ambry Variant Classification Scheme 2023. Collection method: clinical testing. Allele origin: germline.

Department of Human Genetics, Hannover Medical School
Classification: Uncertain significance for Global developmental delay, absent or hypoplastic corpus callosum, and dysmorphic facies. Last evaluated: 2023-07-12. Review status: criteria provided, single submitter. Criteria: ACMG Guidelines, 2015. Collection method: clinical testing. Allele origin: germline. Affected: yes.

PreventionGenetics, part of Exact Sciences
Classification: Likely benign for ZNF148-related condition. Last evaluated: 2019-04-26. Review status: no assertion criteria provided. Collection method: clinical testing. Allele origin: germline. Not counted in ClinVar's aggregate classification.
Comment: This variant is classified as likely benign based on ACMG/AMP sequence variant interpretation guidelines (Richards et al. 2015 PMID: 25741868, with internal and published modifications).